The following is an entry in ClinVar:

NM_024589.3(ROGDI):c.715_718del (p.Leu239fs)

Gene: ROGDI (rogdi atypical leucine zipper; minus strand). Cytogenetic location: 16p13.3.
Variant type: Deletion.
Coding change: c.715_718del on transcript NM_024589.3 (MANE Select); coding-DNA positions 715 to 718, 4 bases deleted (CTGG; older notation c.715_718delCTGG).
Protein change: p.Leu239fs; shifts the reading frame from leucine 239.
Molecular consequence: frameshift variant. On other transcripts: non-coding transcript variant (1).
Genome position (GRCh38, 1-based): chr16:4,797,818-4,797,821, CCAG deleted on the plus strand (CTGG on the coding strand, the reverse complement: ROGDI is on the minus strand). VCF-style (leftmost placement, unchanged base first): chr16-4797817-TCCAG-T. GRCh37 (hg19) VCF-style: chr16-4847818-TCCAG-T.
Other names: short protein forms L239fs.
Identifiers: ClinVar variation 946794 (VCV000946794.7), dbSNP rs2082670823, ClinGen allele CA1139664480.

ClinVar aggregate classification (germline): Pathogenic (1 of 4 stars; one submission).

Conditions:
Amelocerebrohypohidrotic syndrome (KTZS). Also called: EPILEPSY AND YELLOW TEETH; EPILEPSY, DEMENTIA, AND AMELOGENESIS IMPERFECTA; KOHLSCHUTTER SYNDROME; Kohlschutter's syndrome. Identifiers: Orphanet 1946, MedGen C0406740, MONDO:0009185, OMIM 226750.

Submission:

Labcorp Genetics (formerly Invitae), Labcorp
Classification: Pathogenic for Amelocerebrohypohidrotic syndrome. Last evaluated: 2019-06-17. Review status: criteria provided, single submitter. Criteria: Invitae Variant Classification Sherloc (09022015). Collection method: clinical testing. Allele origin: germline.
Comment: For these reasons, this variant has been classified as Pathogenic. Loss-of-function variants in ROGDI are known to be pathogenic (PMID: 22424600, 23086778). This variant has not been reported in the literature in individuals with ROGDI-related conditions. This variant is not present in population databases (ExAC no frequency). This sequence change creates a premature translational stop signal (p.Leu239Argfs*2) in the ROGDI gene. It is expected to result in an absent or disrupted protein product.

Literature cited by the submitters: PubMed 22424600; PubMed 23086778.